The following is an entry in ClinVar:

NM_080680.3(COL11A2):c.4621GAG[1] (p.Glu1542del)

Gene: COL11A2 (collagen type XI alpha 2 chain; minus strand). Cytogenetic location: 6p21.32.
Variant type: Microsatellite.
Coding change: c.4621GAG[1] on transcript NM_080680.3 (MANE Select); one copy of the 3-base unit GAG starting at c.4621; the reference has two copies in a row; one copy, 3 bases deleted; also written c.4624_4626del.
Protein change: p.Glu1542del; deletes glutamic acid 1542.
Molecular consequence: inframe deletion.
Genome position (GRCh38, 1-based): chr6:33,165,673-33,165,675, CTC deleted on the plus strand (GAG on the coding strand, the reverse complement: COL11A2 is on the minus strand); deleting any 3 consecutive bases within chr6:33,165,673-33,165,679 gives the same sequence; the position shown is the placement nearest the transcript's 3' end. VCF-style (leftmost placement, unchanged base first): chr6-33165672-TCTC-T. GRCh37 (hg19) VCF-style: chr6-33133449-TCTC-T.
Other names: c.4300GAG[1], p.Glu1435del (NM_080679.3); c.4363GAG[1], p.Glu1456del (NM_080681.3); c.4624_4626del (NM_080680.2); short protein forms E1435del, E1456del, E1542del.
Identifiers: ClinVar variation 2194471 (VCV002194471.4), dbSNP rs755255647, ClinGen allele CA3750034.

ClinVar aggregate classification (germline): Uncertain significance. Review status: criteria provided, multiple submitters, no conflicts (2 of 4 stars). 2 submissions from 2 submitters: Uncertain significance (2). Last evaluated 2026-02-19.

Submissions (2):

GeneDx
Classification: Uncertain significance. Last evaluated: 2026-02-19. Review status: criteria provided, single submitter. Criteria: GeneDx Variant Classification Process June 2021. Collection method: clinical testing. Allele origin: germline.
Comment: Has not been previously published as pathogenic or benign to our knowledge; Not observed at significant frequency in large population cohorts (gnomAD); In-frame deletion of 1 amino acid(s) in a non-repeat region; In silico analysis supports a deleterious effect on protein structure/function

Labcorp Genetics (formerly Invitae), Labcorp
Classification: Uncertain significance. Last evaluated: 2025-12-20. Review status: criteria provided, single submitter. Criteria: Invitae Variant Classification Sherloc (09022015). Collection method: clinical testing. Allele origin: germline.
Comment: This variant, c.4624_4626del, results in the deletion of 1 amino acid(s) of the COL11A2 protein (p.Glu1542del), but otherwise preserves the integrity of the reading frame. This variant is present in population databases (rs755255647, gnomAD 0.009%). This variant has not been reported in the literature in individuals affected with COL11A2-related conditions. Experimental studies and prediction algorithms are not available or were not evaluated, and the functional significance of this variant is currently unknown. In summary, the available evidence is currently insufficient to determine the role of this variant in disease. Therefore, it has been classified as a Variant of Uncertain Significance.